The following is an entry in ClinVar:

NM_017534.6(MYH2):c.95_96del (p.Pro31_Phe32insTer)

Genes: MYH2 (myosin heavy chain 2; minus strand), MYHAS (myosin heavy chain gene cluster antisense RNA; plus strand). Cytogenetic location: 17p13.1.
Variant type: Deletion.
Coding change: c.95_96del on transcript NM_017534.6 (MANE Select); coding-DNA positions 95 to 96, 2 bases deleted (TT; older notation c.95_96delTT).
Protein change: p.Pro31_Phe32insTer.
Molecular consequence: nonsense.
Genome position (GRCh38, 1-based): chr17:10,547,825-10,547,826, AA deleted on the plus strand (TT on the coding strand, the reverse complement: MYH2 is on the minus strand); deleting any 2 consecutive bases within chr17:10,547,825-10,547,827 gives the same sequence; the c. name uses the placement nearest the transcript's 3' end. VCF-style (leftmost placement, unchanged base first): chr17-10547824-CAA-C. GRCh37 (hg19) VCF-style: chr17-10451141-CAA-C.
Other names: c.95_96del, p.Pro31_Phe32insTer (NM_001100112.2).
Identifiers: ClinVar variation 3671674 (VCV003671674.2).

ClinVar aggregate classification (germline): Pathogenic (1 of 4 stars; one submission).

Conditions:
Myopathy, proximal, and ophthalmoplegia (CMYO6). Also called: CONGENITAL MYOPATHY 6 WITH OPHTHALMOPLEGIA; MYOPATHY WITH CONGENITAL JOINT CONTRACTURES, OPHTHALMOPLEGIA, AND RIMMED VACUOLES; INCLUSION BODY MYOPATHY 3, AUTOSOMAL DOMINANT. Identifiers: Orphanet 363677, Orphanet 79091, MedGen C1854106, MONDO:0011577, OMIM 605637.

Submission:

Labcorp Genetics (formerly Invitae), Labcorp
Classification: Pathogenic for Myopathy, proximal, and ophthalmoplegia. Last evaluated: 2024-07-15. Review status: criteria provided, single submitter. Criteria: Invitae Variant Classification Sherloc (09022015). Collection method: clinical testing. Allele origin: germline.
Comment: This sequence change creates a premature translational stop signal (p.Phe32*) in the MYH2 gene. It is expected to result in an absent or disrupted protein product. Loss-of-function variants in MYH2 are known to be pathogenic (PMID: 20418530, 23388406, 24193343). This variant is not present in population databases (gnomAD no frequency). This variant has not been reported in the literature in individuals affected with MYH2-related conditions. For these reasons, this variant has been classified as Pathogenic.

Literature cited by the submitters: PubMed 20418530; PubMed 23388406; PubMed 24193343.